The following is an entry in ClinVar:

NM_004924.6(ACTN4):c.297G>A (p.Pro99=)

Gene: ACTN4 (actinin alpha 4; plus strand). Cytogenetic location: 19q13.2.
Variant type: single nucleotide variant.
Coding change: c.297G>A on transcript NM_004924.6 (MANE Select); coding-DNA position 297, G replaced by A.
Protein change: p.Pro99=; no amino-acid change (proline 99 retained).
Molecular consequence: synonymous variant.
Genome position (GRCh38, 1-based): chr19:38,701,021, G>A. VCF-style: chr19-38701021-G-A. GRCh37 (hg19) VCF-style: chr19-39191661-G-A.
Other names: c.297G>A (NM_004924.4, NM_004924.5); c.297G>A, p.Pro99= (NM_001322033.2).
Identifiers: ClinVar variation 1169705 (VCV001169705.13), dbSNP rs144919593, ClinGen allele CA9417237.

ClinVar aggregate classification (germline): Benign/Likely benign. Review status: criteria provided, multiple submitters, no conflicts (2 of 4 stars). 5 submissions from 5 submitters: Benign (1); Likely benign (4). Last evaluated 2025-09-17.

Conditions:
ACTN4-related disorder. Also called: ACTN4-related condition.
Inborn genetic diseases. Identifiers: MedGen C0950123, MeSH D030342.
Focal segmental glomerulosclerosis 1 (FSGS1). Identifiers: Orphanet 656, MedGen C4551527, MONDO:0011303, OMIM 603278.

Allele frequency attached by ClinVar (database versions not stated): gnomAD exomes 0.00006 and 0.00014; ExAC 0.00018; gnomAD 0.00032 and 0.00037; TOPMed 0.00043; ESP Exome Variant Server 0.00062; 1000 Genomes Project 30x 0.00125; 1000 Genomes Project 0.00140.
gnomAD v4.1: 156 of 1,614,006 alleles (0.0097%); highest among the groups gnomAD compares: African/African-American, 0.15%; 1 homozygote.

Submissions (5):

Labcorp Genetics (formerly Invitae), Labcorp
Classification: Benign. Last evaluated: 2025-09-17. Review status: criteria provided, single submitter. Criteria: Invitae Variant Classification Sherloc (09022015). Collection method: clinical testing. Allele origin: germline.

Ambry Genetics
Classification: Likely benign for Inborn genetic diseases. Last evaluated: 2025-08-02. Review status: criteria provided, single submitter. Criteria: Ambry Variant Classification Scheme 2023. Collection method: clinical testing. Allele origin: germline.

PreventionGenetics, part of Exact Sciences
Classification: Likely benign for ACTN4-related condition. Last evaluated: 2024-11-27. Review status: criteria provided, single submitter. Criteria: ACMG Guidelines, 2015. Collection method: clinical testing. Allele origin: germline.
Comment: This variant is classified as likely benign based on ACMG/AMP sequence variant interpretation guidelines (Richards et al. 2015 PMID: 25741868, with internal and published modifications).

Blueprint Genetics
Classification: Likely benign. Last evaluated: 2024-06-17. Review status: criteria provided, single submitter. Criteria: ACMG Guidelines, 2015. Collection method: clinical testing. Allele origin: germline.

Fulgent Genetics
Classification: Likely benign for Focal segmental glomerulosclerosis 1. Last evaluated: 2022-02-11. Review status: criteria provided, single submitter. Criteria: ACMG Guidelines, 2015. Collection method: clinical testing. Allele origin: unknown.